The following is an entry in ClinVar:

NM_003906.5(MCM3AP):c.3795T>C (p.Ala1265=)

Gene: MCM3AP (minichromosome maintenance complex component 3 associated protein; minus strand). Cytogenetic location: 21q22.3.
Variant type: single nucleotide variant.
Coding change: c.3795T>C on transcript NM_003906.5 (MANE Select); coding-DNA position 3795, T replaced by C.
Protein change: p.Ala1265=; no amino-acid change (alanine 1265 retained).
Molecular consequence: synonymous variant.
Genome position (GRCh38, 1-based): chr21:46,256,926, A>G on the plus strand (T>C on the coding strand, the complement: MCM3AP is on the minus strand). VCF-style: chr21-46256926-A-G. GRCh37 (hg19) VCF-style: chr21-47676840-A-G.
Other names: p.Ala1265=.
Identifiers: ClinVar variation 1294838 (VCV001294838.12), dbSNP rs7279894, ClinGen allele CA10076369.

ClinVar aggregate classification (germline): Benign. Review status: criteria provided, multiple submitters, no conflicts (2 of 4 stars). 5 submissions from 5 submitters: Benign (4). 1 of the submissions does not count toward it. Last evaluated 2026-02-03.

Conditions:
MCM3AP-related disorder. Also called: MCM3AP-related condition.

Allele frequency attached by ClinVar (database versions not stated): gnomAD exomes 0.02307; ExAC 0.03366; gnomAD 0.04567 and 0.04638; ESP Exome Variant Server 0.04907; TOPMed 0.05048; 1000 Genomes Project 0.06689; 1000 Genomes Project 30x 0.06761.
gnomAD v4.1: 31,166 of 1,611,896 alleles (1.9%); highest among the groups gnomAD compares: African/African-American, 13%; 1,034 homozygotes.

Submissions (5):

Labcorp Genetics (formerly Invitae), Labcorp
Classification: Benign. Last evaluated: 2026-02-03. Review status: criteria provided, single submitter. Criteria: Invitae Variant Classification Sherloc (09022015). Collection method: clinical testing. Allele origin: germline.

Mayo Clinic Laboratories, Mayo Clinic
Classification: Benign. Last evaluated: 2022-03-23. Review status: criteria provided, single submitter. Criteria: ACMG Guidelines, 2015. Collection method: clinical testing. Allele origin: germline. Observed: 44 variant alleles.

GeneDx
Classification: Benign. Last evaluated: 2021-05-04. Review status: criteria provided, single submitter. Criteria: GeneDx Variant Classification Process June 2021. Collection method: clinical testing. Allele origin: germline. Affected: yes.

Breakthrough Genomics
Classification: Benign. Review status: criteria provided, single submitter. Criteria: ACMG Guidelines, 2015. Collection method: not provided. Allele origin: germline. Inheritance: Autosomal recessive inheritance. Affected: yes.

PreventionGenetics, part of Exact Sciences
Classification: Benign for MCM3AP-related condition. Last evaluated: 2024-09-23. Review status: no assertion criteria provided. Collection method: clinical testing. Allele origin: germline. Not counted in ClinVar's aggregate classification.
Comment: This variant is classified as benign based on ACMG/AMP sequence variant interpretation guidelines (Richards et al. 2015 PMID: 25741868, with internal and published modifications).